The following is an entry in ClinVar:

ClinVar aggregate classification (germline): Uncertain significance (1 of 4 stars; one submission).

Allele frequency attached by ClinVar (database versions not stated): gnomAD exomes 0.00004; TOPMed 0.00004; ExAC 0.00005; gnomAD 0.00004.
gnomAD v4.1: 63 of 1,613,558 alleles (0.0039%); highest among the groups gnomAD compares: African/African-American, 0.0067%; no homozygotes.

Submission:

Labcorp Genetics (formerly Invitae), Labcorp
Classification: Uncertain significance. Last evaluated: 2025-05-28. Review status: criteria provided, single submitter. Criteria: Invitae Variant Classification Sherloc (09022015). Collection method: clinical testing. Allele origin: germline.
Comment: This sequence change replaces arginine, which is basic and polar, with histidine, which is basic and polar, at codon 621 of the RNF31 protein (p.Arg621His). This variant is present in population databases (rs775375791, gnomAD 0.008%). This variant has not been reported in the literature in individuals affected with RNF31-related conditions. ClinVar contains an entry for this variant (Variation ID: 3015631). An algorithm developed to predict the effect of missense changes on protein structure and function outputs the following: PolyPhen-2: "Benign". The histidine amino acid residue is found in multiple mammalian species, which suggests that this missense change does not adversely affect protein function. In summary, the available evidence is currently insufficient to determine the role of this variant in disease. Therefore, it has been classified as a Variant of Uncertain Significance.

NM_017999.5(RNF31):c.1862G>A (p.Arg621His)

Gene: RNF31 (ring finger protein 31; plus strand). Cytogenetic location: 14q12.
Variant type: single nucleotide variant.
Coding change: c.1862G>A on transcript NM_017999.5 (MANE Select); coding-DNA position 1862, G replaced by A.
Protein change: p.Arg621His; replaces arginine 621 with histidine.
Molecular consequence: missense variant.
Genome position (GRCh38, 1-based): chr14:24,151,609, G>A. VCF-style: chr14-24151609-G-A. GRCh37 (hg19) VCF-style: chr14-24620818-G-A.
Other names: c.1409G>A, p.Arg470His (NM_001310332.2); short protein forms R621H, R470H.
Identifiers: ClinVar variation 3015631 (VCV003015631.3), dbSNP rs775375791, ClinGen allele CA7125903.
Genomic context (GRCh38, chr14:24,151,609, plus strand): 5'-ACGGAGGTGATGTGTCACGGGCCCTGACTGAGCTACAGCGCCAACGCCTAGAGCCCTTCC[G>A]CCAGCGCCTCTGGGACAGTGGCCCTGAGCCCACCCCTTCCTGGGATGGGCCAGACAAGCA-3'
Protein context (NP_060469.4, residues 611-631): ELQRQRLEPF[Arg621His]QRLWDSGPEP